The following is an entry in ClinVar:

NM_006361.6(HOXB13):c.741C>G (p.Arg247=)

Gene: HOXB13 (homeobox B13; minus strand). Cytogenetic location: 17q21.32.
Variant type: single nucleotide variant.
Coding change: c.741C>G on transcript NM_006361.6 (MANE Select); coding-DNA position 741, C replaced by G.
Protein change: p.Arg247=; no amino-acid change (arginine 247 retained).
Molecular consequence: synonymous variant.
Genome position (GRCh38, 1-based): chr17:48,726,904, G>C on the plus strand (C>G on the coding strand, the complement: HOXB13 is on the minus strand). VCF-style: chr17-48726904-G-C. GRCh37 (hg19) VCF-style: chr17-46804266-G-C.
Identifiers: ClinVar variation 3773454 (VCV003773454.1).

ClinVar aggregate classification (germline): Benign (1 of 4 stars; one submission).

Conditions:
Prostate cancer, hereditary, 9 (HPC9). Identifiers: Orphanet 1331, MedGen C1970250, MONDO:0012597, OMIM 610997.

Submission:

Myriad Genetics, Inc.
Classification: Benign for Prostate cancer, hereditary, 9. Last evaluated: 2024-10-31. Review status: criteria provided, single submitter. Criteria: Myriad Autosomal Dominant, Autosomal Recessive and X-Linked Classification Criteria (2023). Collection method: clinical testing. Allele origin: unknown.
Comment: This variant is considered benign. This variant is a silent/synonymous amino acid change and it is not expected to impact splicing.